The following is an entry in ClinVar:

ClinVar aggregate classification (germline): Pathogenic (1 of 4 stars; one submission).

Submission:

Labcorp Genetics (formerly Invitae), Labcorp
Classification: Pathogenic. Last evaluated: 2021-12-18. Review status: criteria provided, single submitter. Criteria: Invitae Variant Classification Sherloc (09022015). Collection method: clinical testing. Allele origin: germline.
Comment: This sequence change creates a premature translational stop signal (p.Asp1476Glufs*3) in the LAMA3 gene. It is expected to result in an absent or disrupted protein product. Loss-of-function variants in LAMA3 are known to be pathogenic (PMID: 10366601, 11810295, 12915477, 16473856, 17362460, 22434185, 23869449, 27827380, 28087116). For these reasons, this variant has been classified as Pathogenic. This variant has not been reported in the literature in individuals affected with LAMA3-related conditions. This variant is not present in population databases (gnomAD no frequency).

Literature cited by the submitters: PubMed 10366601; PubMed 11810295; PubMed 12915477; PubMed 16473856; PubMed 17362460; PubMed 22434185; PubMed 23869449; PubMed 27827380; PubMed 28087116.

NM_198129.4(LAMA3):c.9255del (p.Asp3085fs)

Gene: LAMA3 (laminin subunit alpha 3; plus strand). Cytogenetic location: 18q11.2.
Variant type: Deletion.
Coding change: c.9255del on transcript NM_198129.4 (MANE Select); coding-DNA position 9255, one base deleted (T; older notation c.9255delT).
Protein change: p.Asp3085fs; shifts the reading frame from aspartic acid 3085.
Molecular consequence: frameshift variant.
Genome position (GRCh38, 1-based): chr18:23,946,188, T deleted. VCF-style (leftmost placement, unchanged base first): chr18-23946187-AT-A. GRCh37 (hg19) VCF-style: chr18-21526151-AT-A.
Other names: c.4428del, p.Asp1476fs (NM_000227.6); c.9087del, p.Asp3029fs (NM_001127717.4); c.4260del, p.Asp1420fs (NM_001127718.4); short protein forms D1420fs, D1476fs, D3029fs, D3085fs.
Identifiers: ClinVar variation 2046241 (VCV002046241.4), dbSNP rs2511653799, ClinGen allele CA2580095539.